The following is an entry in ClinVar:

NM_000053.4(ATP7B):c.3852_3875del (p.Gly1285_Ile1292del)

Gene: ATP7B (ATPase copper transporting beta; minus strand). Cytogenetic location: 13q14.3.
Variant type: Deletion.
Coding change: c.3852_3875del on transcript NM_000053.4 (MANE Select); coding-DNA positions 3852 to 3875, 24 bases deleted (TGGCACCGGCACGGATGTGGCCAT).
Protein change: p.Gly1285_Ile1292del.
Molecular consequence: inframe deletion.
Genome position (GRCh38, 1-based): chr13:51,937,504-51,937,527, ATGGCCACATCCGTGCCGGTGCCA deleted on the plus strand (TGGCACCGGCACGGATGTGGCCAT on the coding strand, the reverse complement: ATP7B is on the minus strand); deleting any 24 consecutive bases within chr13:51,937,504-51,937,536 gives the same sequence; the c. name uses the placement nearest the transcript's 3' end. VCF-style (leftmost placement, unchanged base first): chr13-51937503-GATGGCCACATCCGTGCCGGTGCCA-G. GRCh37 (hg19) VCF-style: chr13-52511639-GATGGCCACATCCGTGCCGGTGCCA-G.
Other names: c.3231_3254del, p.Gly1078_Ile1085del (NM_001005918.3); c.3519_3542del, p.Gly1174_Ile1181del (NM_001243182.2); c.3618_3641del, p.Gly1207_Ile1214del (NM_001330578.2); c.3600_3623del, p.Gly1201_Ile1208del (NM_001330579.2).
Identifiers: ClinVar variation 555278 (VCV000555278.13), dbSNP rs1555283826, ClinGen allele CA658823694.

ClinVar aggregate classification (germline): Conflicting classifications of pathogenicity. Review status: criteria provided, conflicting classifications (1 of 4 stars). 5 submissions from 5 submitters: Pathogenic (1); Uncertain significance (3). 1 of the submissions does not count toward it. Last evaluated 2025-07-08.

Conditions:
Wilson disease (WND). Also called: Wilson's disease. Identifiers: Orphanet 905, MedGen C0019202, MONDO:0010200, OMIM 277900. Disease mechanism: loss of function.

Submissions (5):

Color Diagnostics, LLC DBA Color Health
Classification: Uncertain significance for Wilson disease. Last evaluated: 2025-07-08. Review status: criteria provided, single submitter. Criteria: ACMG Guidelines, 2015. Collection method: clinical testing. Allele origin: germline.
Comment: This variant results in a deletion of 8 amino acids at codons 1285 through 1292 in the ATP7B protein. This variant removes p.Gly1285_Ile1292 residues in the ATP hydrolysis P domain of the ATP7B protein, a highly conserved region that is considered to be important for ATP7B protein function (PMID: 35245129ClinVar). To our knowledge, functional studies have not been reported for this variant. This variant has been reported in a Sardinian family with Wilson's disease (PMID: 9222767). This variant has not been identified in the general population by the Genome Aggregation Database (gnomAD). The available evidence is insufficient to determine the role of this variant in disease conclusively. Therefore, this variant is classified as a Variant of Uncertain Significance.

Labcorp Genetics (formerly Invitae), Labcorp
Classification: Pathogenic for Wilson disease. Last evaluated: 2023-07-09. Review status: criteria provided, single submitter. Criteria: Invitae Variant Classification Sherloc (09022015). Collection method: clinical testing. Allele origin: germline.
Comment: For these reasons, this variant has been classified as Pathogenic. This variant disrupts a region of the ATP7B protein in which other variant(s) (p.Thr1288Arg) have been determined to be pathogenic (PMID: 16416207, 17410460). This suggests that this is a clinically significant region of the protein, and that variants that disrupt it are likely to be disease-causing. ClinVar contains an entry for this variant (Variation ID: 555278). This variant has been observed in individual(s) with Wilson's disease (PMID: 9222767). This variant is not present in population databases (gnomAD no frequency). This variant, c.3852_3875del, results in the deletion of 8 amino acid(s) of the ATP7B protein (p.Gly1285_Ile1292del), but otherwise preserves the integrity of the reading frame.

Blueprint Genetics
Classification: Uncertain significance. Last evaluated: 2023-05-22. Review status: criteria provided, single submitter. Criteria: ACMG Guidelines, 2015. Collection method: clinical testing. Allele origin: germline.

Genome-Nilou Lab
Classification: Uncertain significance for Wilson disease. Last evaluated: 2021-09-05. Review status: criteria provided, single submitter. Criteria: ACMG Guidelines, 2015. Collection method: clinical testing. Allele origin: germline. Affected: no.

Counsyl
Classification: Uncertain significance for Wilson disease. Last evaluated: 2017-11-27. Review status: no assertion criteria provided. Collection method: clinical testing. Allele origin: unknown. Not counted in ClinVar's aggregate classification.

Literature cited by the submitters: PubMed 9222767 (cited by 3 submitters); PubMed 35245129 (cited by Color Diagnostics, LLC DBA Color Health); PubMed 16416207 (cited by Labcorp Genetics (formerly Invitae), Labcorp); PubMed 17410460 (cited by Labcorp Genetics (formerly Invitae), Labcorp); PubMed 8533760 (cited by Counsyl).